The following is an entry in ClinVar:

ClinVar aggregate classification (germline): Likely pathogenic (1 of 4 stars; one submission).

Submission:

GeneDx
Classification: Likely pathogenic. Last evaluated: 2026-06-02. Review status: criteria provided, single submitter. Criteria: GeneDx Variant Classification Process June 2021. Collection method: clinical testing. Allele origin: germline.
Comment: Canonical splice site variant predicted to result in an in-frame loss of the adjacent exon in a gene for which loss of function is a known mechanism of disease; Not observed at significant frequency in large population cohorts (gnomAD); Has not been previously published as pathogenic or benign to our knowledge; This variant is associated with the following publications: (PMID: 20001957)

NM_004281.4(BAG3):c.909+1G>C

Gene: BAG3 (BAG cochaperone 3; plus strand). Cytogenetic location: 10q26.11.
Variant type: single nucleotide variant.
Coding change: c.909+1G>C on transcript NM_004281.4 (MANE Select); the canonical splice donor site of the intron after coding-DNA position 909, G replaced by C.
Molecular consequence: splice donor variant.
Genome position (GRCh38, 1-based): chr10:119,672,657, G>C. VCF-style: chr10-119672657-G-C. GRCh37 (hg19) VCF-style: chr10-121432169-G-C.
Identifiers: ClinVar variation 2580651 (VCV002580651.2), dbSNP rs869025365, ClinGen allele CA378296184.